The following is an entry in ClinVar:

ClinVar aggregate classification (germline): Uncertain significance (1 of 4 stars; one submission).

Allele frequency attached by ClinVar (database versions not stated): gnomAD exomes below 0.00001 and 0.00001; TOPMed below 0.00001; ExAC 0.00001.

Submission:

Laboratory for Molecular Medicine, Mass General Brigham Personalized Medicine
Classification: Uncertain significance. Last evaluated: 2017-01-30. Review status: criteria provided, single submitter. Criteria: LMM Criteria. Collection method: clinical testing. Allele origin: germline. Observed: 1 variant allele.
Comment: The p.Ala7031Thr variant in TTN has not been previously reported in individuals with cardiomyopathy, but has been identified in 1/15322 South Asian chromosomes by the Exome Aggregation Consortium (ExAC; dbSNP rs771947778). Computational prediction tools and conservation analysis suggest that the p.Ala7031Thr variant may not impact the protein, though this informati on is not predictive enough to rule out pathogenicity. In summary, the clinical significance of the p.Ala7031Thr variant is uncertain.

NM_001267550.2(TTN):c.24823G>A (p.Ala8275Thr)

Gene: TTN (titin; minus strand). Cytogenetic location: 2q31.2.
Variant type: single nucleotide variant.
Coding change: c.24823G>A on transcript NM_001267550.2 (MANE Select); coding-DNA position 24823, G replaced by A.
Protein change: p.Ala8275Thr; replaces alanine 8275 with threonine.
Molecular consequence: missense variant. On other transcripts: intron variant (3).
Genome position (GRCh38, 1-based): chr2:178,718,183, C>T on the plus strand (G>A on the coding strand, the complement: TTN is on the minus strand). VCF-style: chr2-178718183-C-T. GRCh37 (hg19) VCF-style: chr2-179582910-C-T.
Other names: c.21091G>A, p.Ala7031Thr (NM_133378.4); c.23872G>A, p.Ala7958Thr (NM_001256850.1); c.13282+19899G>A (NM_003319.4); c.13858+19899G>A (NM_133437.4); c.13657+19899G>A (NM_133432.3); short protein forms A7031T, A8275T, A7958T.
Identifiers: ClinVar variation 517230 (VCV000517230.5), dbSNP rs771947778, ClinGen allele CA2000338.
Genomic context (GRCh38, chr2:178,718,183, plus strand): 5'-TTCTAATTTCTGGAGTTCCATCCACTTTACACTGTAAAGTTGCAGGTTCTCCAATGACTG[C>T]TTCCACATGTTCCAGAGGTTCAATAAAGTACGGTGGTTCTATGGTACAAAGGATGGTAGT-3'
Protein context (NP_001254479.2, residues 8265-8285): YFIEPLEHVE[Ala8275Thr]VIGEPATLQC